The following is an entry in ClinVar:

ClinVar aggregate classification (germline): Uncertain significance (1 of 4 stars; one submission).

Conditions:
STING-associated vasculopathy with onset in infancy. Also called: Sting-associated vasculopathy, infantile-onset. Identifiers: Orphanet 425120, MedGen C4014722, MONDO:0014405, OMIM 615934.

Submission:

Labcorp Genetics (formerly Invitae), Labcorp
Classification: Uncertain significance for STING-associated vasculopathy with onset in infancy. Last evaluated: 2023-01-22. Review status: criteria provided, single submitter. Criteria: Invitae Variant Classification Sherloc (09022015). Collection method: clinical testing. Allele origin: germline.
Comment: This variant is not present in population databases (gnomAD no frequency). This sequence change replaces asparagine, which is neutral and polar, with lysine, which is basic and polar, at codon 111 of the TMEM173 protein (p.Asn111Lys). This variant has not been reported in the literature in individuals affected with TMEM173-related conditions. In summary, the available evidence is currently insufficient to determine the role of this variant in disease. Therefore, it has been classified as a Variant of Uncertain Significance. Algorithms developed to predict the effect of sequence changes on RNA splicing suggest that this variant may create or strengthen a splice site. Advanced modeling of protein sequence and biophysical properties (such as structural, functional, and spatial information, amino acid conservation, physicochemical variation, residue mobility, and thermodynamic stability) performed at Invitae indicates that this missense variant is not expected to disrupt TMEM173 protein function.

NM_198282.4(STING1):c.333T>A (p.Asn111Lys)

Genes: STING1 (stimulator of interferon response cGAMP interactor 1; minus strand), LOC123522803 (Sharpr-MPRA regulatory region 11914; plus strand). Cytogenetic location: 5q31.2.
Variant type: single nucleotide variant.
Coding change: c.333T>A on transcript NM_198282.4 (MANE Select); coding-DNA position 333, T replaced by A.
Protein change: p.Asn111Lys; replaces asparagine 111 with lysine.
Molecular consequence: missense variant. On other transcripts: 5 prime UTR variant (1).
Genome position (GRCh38, 1-based): chr5:139,481,237, A>T on the plus strand (T>A on the coding strand, the complement: STING1 is on the minus strand). VCF-style: chr5-139481237-A-T. GRCh37 (hg19) VCF-style: chr5-138860822-A-T.
Other names: c.333T>A, p.Asn111Lys (NM_001301738.2); c.-25T>A (NM_001367258.1); short protein forms N111K.
Identifiers: ClinVar variation 2831119 (VCV002831119.3), dbSNP rs2547065973, ClinGen allele CA361481315.